The following is an entry in ClinVar:

ClinVar aggregate classification (germline): Uncertain significance. Review status: criteria provided, multiple submitters, no conflicts (2 of 4 stars). 2 submissions from 2 submitters: Uncertain significance (2). Last evaluated 2025-03-26.

Conditions:
Gastrointestinal stromal tumor. Also called: Gastrointestinal stromal tumor, somatic; Gastrointestinal stroma tumor. Identifiers: Orphanet 44890, MedGen C0238198, MeSH D046152, MONDO:0011719, OMIM 606764, HP:0100723.
Hereditary cancer-predisposing syndrome. Also called: Hereditary neoplastic syndrome; Neoplastic Syndromes, Hereditary; Hereditary Cancer Syndrome; Tumor predisposition. Identifiers: Orphanet 140162, MedGen C0027672, MeSH D009386, MONDO:0015356.

gnomAD v4.1: 2 of 1,614,126 alleles (0.00012%); no homozygotes.

Submissions (2):

Labcorp Genetics (formerly Invitae), Labcorp
Classification: Uncertain significance for Gastrointestinal stromal tumor. Last evaluated: 2025-03-26. Review status: criteria provided, single submitter. Criteria: Invitae Variant Classification Sherloc (09022015). Collection method: clinical testing. Allele origin: germline.
Comment: This sequence change replaces glycine, which is neutral and non-polar, with alanine, which is neutral and non-polar, at codon 51 of the PDGFRA protein (p.Gly51Ala). This variant is not present in population databases (gnomAD no frequency). This variant has not been reported in the literature in individuals affected with PDGFRA-related conditions. ClinVar contains an entry for this variant (Variation ID: 950216). Invitae Evidence Modeling of protein sequence and biophysical properties (such as structural, functional, and spatial information, amino acid conservation, physicochemical variation, residue mobility, and thermodynamic stability) indicates that this missense variant is not expected to disrupt PDGFRA protein function with a negative predictive value of 80%. In summary, the available evidence is currently insufficient to determine the role of this variant in disease. Therefore, it has been classified as a Variant of Uncertain Significance.

Ambry Genetics
Classification: Uncertain significance for Hereditary cancer-predisposing syndrome. Last evaluated: 2024-05-15. Review status: criteria provided, single submitter. Criteria: Ambry Variant Classification Scheme 2023. Collection method: clinical testing. Allele origin: germline.
Comment: The p.G51A variant (also known as c.152G>C), located in coding exon 2 of the PDGFRA gene, results from a G to C substitution at nucleotide position 152. The glycine at codon 51 is replaced by alanine, an amino acid with similar properties. This amino acid position is conserved. In addition, this alteration is predicted to be deleterious by in silico analysis. Based on the available evidence, the clinical significance of this variant remains unclear.

NM_006206.6(PDGFRA):c.152G>C (p.Gly51Ala)

Gene: PDGFRA (platelet derived growth factor receptor alpha; plus strand). Cytogenetic location: 4q12.
Variant type: single nucleotide variant.
Coding change: c.152G>C on transcript NM_006206.6 (MANE Select); coding-DNA position 152, G replaced by C.
Protein change: p.Gly51Ala; replaces glycine 51 with alanine.
Molecular consequence: missense variant.
Genome position (GRCh38, 1-based): chr4:54,261,197, G>C. VCF-style: chr4-54261197-G-C. GRCh37 (hg19) VCF-style: chr4-55127364-G-C.
Other names: c.152G>C, p.Gly51Ala (NM_001347827.2, NM_001347829.2); c.227G>C, p.Gly76Ala (NM_001347828.2); c.191G>C, p.Gly64Ala (NM_001347830.2); short protein forms G76A, G51A, G64A.
Identifiers: ClinVar variation 950216 (VCV000950216.11), dbSNP rs1722684533, ClinGen allele CA356888359.